The following is an entry in ClinVar:

NM_000553.6(WRN):c.2557G>A (p.Gly853Ser)

Gene: WRN (WRN RecQ like helicase; plus strand). Cytogenetic location: 8p12.
Variant type: single nucleotide variant.
Coding change: c.2557G>A on transcript NM_000553.6 (MANE Select); coding-DNA position 2557, G replaced by A.
Protein change: p.Gly853Ser; replaces glycine 853 with serine.
Molecular consequence: missense variant.
Genome position (GRCh38, 1-based): chr8:31,120,351, G>A. VCF-style: chr8-31120351-G-A. GRCh37 (hg19) VCF-style: chr8-30977867-G-A.
Other names: short protein forms G853S.
Identifiers: ClinVar variation 458422 (VCV000458422.6), dbSNP rs1554528396, ClinGen allele CA370915557.
Genomic context (GRCh38, chr8:31,120,351, plus strand): 5'-ATTCGCCAAGTCATTCATTACGGTGCTCCTAAGGACATGGAATCATATTATCAGGAGATT[G>A]GTAGAGCTGGTCGTGATGGACTTCAAAGTTCTTGTCACGTCCTCTGGGCTCCTGCAGACA-3'
Protein context (NP_000544.2, residues 843-863): KDMESYYQEI[Gly853Ser]RAGRDGLQSS

ClinVar aggregate classification (germline): Uncertain significance. Review status: criteria provided, multiple submitters, no conflicts (2 of 4 stars). 2 submissions from 2 submitters: Uncertain significance (2). Last evaluated 2022-01-06.

Conditions:
Werner syndrome (WRN). Identifiers: Orphanet 902, MedGen C0043119, MONDO:0010196, OMIM 277700.

Submissions (2):

Revvity Omics, Revvity
Classification: Uncertain significance for Werner syndrome. Last evaluated: 2022-01-06. Review status: criteria provided, single submitter. Criteria: ACMG Guidelines, 2015. Collection method: clinical testing. Allele origin: germline.

Labcorp Genetics (formerly Invitae), Labcorp
Classification: Uncertain significance for Werner syndrome. Last evaluated: 2017-05-14. Review status: criteria provided, single submitter. Criteria: Invitae Variant Classification Sherloc (09022015). Collection method: clinical testing. Allele origin: germline.
Comment: This sequence change replaces glycine with serine at codon 853 of the WRN protein (p.Gly853Ser). The glycine residue is highly conserved and there is a small physicochemical difference between glycine and serine. This variant is not present in population databases (ExAC no frequency) and has not been reported in the literature in individuals with a WRN-related disease. Algorithms developed to predict the effect of missense changes on protein structure and function (SIFT, PolyPhen-2, Align-GVGD) all suggest that this variant is likely to be disruptive, but these predictions have not been confirmed by published functional studies. In summary, this variant is a novel missense change with uncertain impact on protein function. It has been classified as a Variant of Uncertain Significance.